The following is an entry in ClinVar:

ClinVar aggregate classification (germline): Uncertain significance (1 of 4 stars; one submission).

Submission:

Ambry Genetics
Classification: Uncertain significance. Last evaluated: 2024-05-27. Review status: criteria provided, single submitter. Criteria: Ambry Variant Classification Scheme 2023. Collection method: clinical testing. Allele origin: germline.
Comment: The p.K121I variant (also known as c.362A>T), located in coding exon 1 of the PALLD gene, results from an A to T substitution at nucleotide position 362. The lysine at codon 121 is replaced by isoleucine, an amino acid with dissimilar properties. This amino acid position is conserved. In addition, this alteration is predicted to be tolerated by in silico analysis. Based on the available evidence, the clinical significance of this variant remains unclear.

NM_001166108.2(PALLD):c.362A>T (p.Lys121Ile)

Gene: PALLD (palladin, cytoskeletal associated protein; plus strand). Cytogenetic location: 4q32.3.
Variant type: single nucleotide variant.
Coding change: c.362A>T on transcript NM_001166108.2 (MANE Select); coding-DNA position 362, A replaced by T.
Protein change: p.Lys121Ile; replaces lysine 121 with isoleucine.
Molecular consequence: missense variant.
Genome position (GRCh38, 1-based): chr4:168,511,866, A>T. VCF-style: chr4-168511866-A-T. GRCh37 (hg19) VCF-style: chr4-169433017-A-T.
Other names: c.362A>T, p.Lys121Ile (NM_016081.4); short protein forms K121I.
Identifiers: ClinVar variation 3304025 (VCV003304025.1).